The following is an entry in ClinVar:

NM_024753.5(TTC21B):c.1947_1948del (p.Thr650fs)

Gene: TTC21B (tetratricopeptide repeat domain 21B; minus strand). Cytogenetic location: 2q24.3.
Variant type: Deletion.
Coding change: c.1947_1948del on transcript NM_024753.5 (MANE Select); coding-DNA positions 1947 to 1948, 2 bases deleted (AA; older notation c.1947_1948delAA).
Protein change: p.Thr650fs; shifts the reading frame from threonine 650.
Molecular consequence: frameshift variant.
Genome position (GRCh38, 1-based): chr2:165,915,391-165,915,392, TT deleted on the plus strand (AA on the coding strand, the reverse complement: TTC21B is on the minus strand). VCF-style (leftmost placement, unchanged base first): chr2-165915390-GTT-G. GRCh37 (hg19) VCF-style: chr2-166771900-GTT-G.
Other names: short protein forms T650fs.
Identifiers: ClinVar variation 1904055 (VCV001904055.5), dbSNP rs1455507192, ClinGen allele CA760205289.

ClinVar aggregate classification (germline): Pathogenic (1 of 4 stars; one submission).

Conditions:
Jeune thoracic dystrophy. Also called: Short-rib thoracic dysplasia; Jeune syndrome; Infantile thoracic dystrophy; Thoracic pelvic phalangeal dystrophy; Jeune's syndrome; Chondroectodermal dysplasia-like syndrome. Identifiers: Orphanet 474, MedGen C0265275, MONDO:0018770.
Nephronophthisis. Also called: Juvenile Nephronophthisis. Identifiers: Orphanet 655, MedGen C0687120, MONDO:0019005, HP:0000090.

Allele frequency attached by ClinVar (database versions not stated): gnomAD exomes below 0.00001; gnomAD 0.00001; TOPMed 0.00001.

Submission:

Labcorp Genetics (formerly Invitae), Labcorp
Classification: Pathogenic for Jeune thoracic dystrophy; Nephronophthisis. Last evaluated: 2022-09-27. Review status: criteria provided, single submitter. Criteria: Invitae Variant Classification Sherloc (09022015). Collection method: clinical testing. Allele origin: germline.
Comment: For these reasons, this variant has been classified as Pathogenic. This variant has not been reported in the literature in individuals affected with TTC21B-related conditions. This variant is not present in population databases (gnomAD no frequency). This sequence change creates a premature translational stop signal (p.Thr650Ilefs*2) in the TTC21B gene. It is expected to result in an absent or disrupted protein product. Loss-of-function variants in TTC21B are known to be pathogenic (PMID: 18327258, 21068128, 21258341, 23559409, 24876116, 25492405, 27491411, 29068549).

Literature cited by the submitters: PubMed 18327258; PubMed 21068128; PubMed 21258341; PubMed 23559409; PubMed 24876116; PubMed 25492405; PubMed 27491411; PubMed 29068549.